The following is an entry in ClinVar:

NM_001131016.2(CIZ1):c.1932G>A (p.Glu644=)

Gene: CIZ1 (CDKN1A interacting zinc finger protein 1; minus strand). Cytogenetic location: 9q34.11.
Variant type: single nucleotide variant.
Coding change: c.1932G>A on transcript NM_001131016.2 (MANE Select); coding-DNA position 1932, G replaced by A.
Protein change: p.Glu644=; no amino-acid change (glutamic acid 644 retained).
Molecular consequence: synonymous variant.
Genome position (GRCh38, 1-based): chr9:128,176,362, C>T on the plus strand (G>A on the coding strand, the complement: CIZ1 is on the minus strand). VCF-style: chr9-128176362-C-T. GRCh37 (hg19) VCF-style: chr9-130938641-C-T.
Other names: c.1764G>A, p.Glu588= (NM_001131015.2); c.1749G>A, p.Glu583= (NM_001131017.2); c.1692G>A, p.Glu564= (NM_001131018.2); c.2022G>A, p.Glu674= (NM_001257975.2); c.1629G>A, p.Glu543= (NM_001257976.2); c.1932G>A, p.Glu644= (NM_012127.3); c.1932G>A (NM_012127.2).
Identifiers: ClinVar variation 2868951 (VCV002868951.4), dbSNP rs747930059, ClinGen allele CA5257202.
Genomic context (GRCh38, chr9:128,176,362, plus strand): 5'-ATGAGACTGCCTACCCCCCAACACAGAGCTTCCACGATCCCCCACTCACTCATCCTCTGT[C>T]TCCAGGACGTCCCGGGGCACGGGCAGCAGGGACAGGAGGCAGGCTTGGCTCATGTGCTGG-3'
Protein context (NP_001124488.1, residues 634-654): SLLPVPRDVL[Glu644=]TEDEEPPPRR

ClinVar aggregate classification (germline): Likely benign. Review status: criteria provided, single submitter (1 of 4 stars). 2 submissions from 2 submitters: Likely benign (1). 1 of the submissions does not count toward it. Last evaluated 2023-09-18.

Conditions:
CIZ1-related disorder. Also called: CIZ1-related condition.
Dystonic disorder. Also called: Dystonia. Identifiers: MedGen C0013421, MONDO:0003441, HP:0001332.

Allele frequency attached by ClinVar (database versions not stated): ExAC 0.00001; gnomAD 0.00003; TOPMed 0.00003; gnomAD exomes 0.00006.
gnomAD v4.1: 98 of 1,613,960 alleles (0.0061%); highest among the groups gnomAD compares: Non-Finnish European, 0.0077%; no homozygotes.

Submissions (2):

Labcorp Genetics (formerly Invitae), Labcorp
Classification: Likely benign for Dystonic disorder. Last evaluated: 2023-09-18. Review status: criteria provided, single submitter. Criteria: Invitae Variant Classification Sherloc (09022015). Collection method: clinical testing. Allele origin: germline.

PreventionGenetics, part of Exact Sciences
Classification: Likely benign for CIZ1-related condition. Last evaluated: 2024-08-22. Review status: no assertion criteria provided. Collection method: clinical testing. Allele origin: germline. Not counted in ClinVar's aggregate classification.
Comment: This variant is classified as likely benign based on ACMG/AMP sequence variant interpretation guidelines (Richards et al. 2015 PMID: 25741868, with internal and published modifications).